The following is an entry in ClinVar:

NM_183235.3(RAB27A):c.627G>C (p.Gln209His)

Gene: RAB27A (RAB27A, member RAS oncogene family; minus strand). Cytogenetic location: 15q21.3.
Variant type: single nucleotide variant.
Coding change: c.627G>C on transcript NM_183235.3 (MANE Select); coding-DNA position 627, G replaced by C.
Protein change: p.Gln209His; replaces glutamine 209 with histidine.
Molecular consequence: missense variant.
Genome position (GRCh38, 1-based): chr15:55,205,546, C>G on the plus strand (G>C on the coding strand, the complement: RAB27A is on the minus strand). VCF-style: chr15-55205546-C-G. GRCh37 (hg19) VCF-style: chr15-55497744-C-G.
Other names: c.627G>C, p.Gln209His (NM_004580.5, NM_183234.3, NM_183236.3); short protein forms Q209H.
Identifiers: ClinVar variation 1484982 (VCV001484982.6), dbSNP rs776080472, ClinGen allele CA7573516.

ClinVar aggregate classification (germline): Uncertain significance (1 of 4 stars; one submission).

Conditions:
Griscelli syndrome type 2 (GS2). Also called: PAID SYNDROME; PARTIAL ALBINISM AND IMMUNODEFICIENCY SYNDROME; GRISCELLI SYNDROME WITH HEMOPHAGOCYTIC SYNDROME. Identifiers: Orphanet 381, Orphanet 79477, MedGen C1868679, MONDO:0011872, OMIM 607624.

Allele frequency attached by ClinVar (database versions not stated): gnomAD exomes below 0.00001; ExAC 0.00001; gnomAD 0.00001; TOPMed 0.00001.
gnomAD v4.1: 2 of 1,614,096 alleles (0.00012%); highest among the groups gnomAD compares: African/African-American, 0.0013%; no homozygotes.

Submission:

Labcorp Genetics (formerly Invitae), Labcorp
Classification: Uncertain significance for Griscelli syndrome type 2. Last evaluated: 2021-03-27. Review status: criteria provided, single submitter. Criteria: Invitae Variant Classification Sherloc (09022015). Collection method: clinical testing. Allele origin: germline.
Comment: In summary, the available evidence is currently insufficient to determine the role of this variant in disease. Therefore, it has been classified as a Variant of Uncertain Significance. Advanced modeling of protein sequence and biophysical properties (such as structural, functional, and spatial information, amino acid conservation, physicochemical variation, residue mobility, and thermodynamic stability) performed at Invitae indicates that this missense variant is not expected to disrupt RAB27A protein function. This variant has not been reported in the literature in individuals with RAB27A-related conditions. This variant is present in population databases (rs776080472, ExAC 0.01%). This sequence change replaces glutamine with histidine at codon 209 of the RAB27A protein (p.Gln209His). The glutamine residue is moderately conserved and there is a small physicochemical difference between glutamine and histidine.